The following is an entry in ClinVar:

ClinVar aggregate classification (germline): Conflicting classifications of pathogenicity. Review status: criteria provided, conflicting classifications (1 of 4 stars). 2 submissions from 2 submitters: Uncertain significance (1); Likely benign (1). Last evaluated 2025-01-21.

Conditions:
Inborn genetic diseases. Identifiers: MedGen C0950123, MeSH D030342.

Allele frequency attached by ClinVar (database versions not stated): gnomAD exomes 0.00001; gnomAD 0.00003 and 0.00004; TOPMed 0.00003; 1000 Genomes Project 30x 0.00016; 1000 Genomes Project 0.00020.
gnomAD v4.1: 27 of 1,605,792 alleles (0.0017%); highest among the groups gnomAD compares: African/African-American, 0.0054%; no homozygotes.

Submissions (2):

Ambry Genetics
Classification: Likely benign for Inborn genetic diseases. Last evaluated: 2025-01-21. Review status: criteria provided, single submitter. Criteria: Ambry Variant Classification Scheme 2023. Collection method: clinical testing. Allele origin: germline.

Labcorp Genetics (formerly Invitae), Labcorp
Classification: Uncertain significance. Last evaluated: 2022-12-02. Review status: criteria provided, single submitter. Criteria: Invitae Variant Classification Sherloc (09022015). Collection method: clinical testing. Allele origin: germline.
Comment: In summary, the available evidence is currently insufficient to determine the role of this variant in disease. Therefore, it has been classified as a Variant of Uncertain Significance. Advanced modeling of protein sequence and biophysical properties (such as structural, functional, and spatial information, amino acid conservation, physicochemical variation, residue mobility, and thermodynamic stability) performed at Invitae indicates that this missense variant is not expected to disrupt PNPT1 protein function. ClinVar contains an entry for this variant (Variation ID: 1497055). This variant has not been reported in the literature in individuals affected with PNPT1-related conditions. The frequency data for this variant in the population databases is considered unreliable, as metrics indicate poor data quality at this position in the gnomAD database. This sequence change replaces serine, which is neutral and polar, with leucine, which is neutral and non-polar, at codon 280 of the PNPT1 protein (p.Ser280Leu).

NM_033109.5(PNPT1):c.839C>T (p.Ser280Leu)

Gene: PNPT1 (polyribonucleotide nucleotidyltransferase 1; minus strand). Cytogenetic location: 2p16.1.
Variant type: single nucleotide variant.
Coding change: c.839C>T on transcript NM_033109.5 (MANE Select); coding-DNA position 839, C replaced by T.
Protein change: p.Ser280Leu; replaces serine 280 with leucine.
Molecular consequence: missense variant.
Genome position (GRCh38, 1-based): chr2:55,672,920, G>A on the plus strand (C>T on the coding strand, the complement: PNPT1 is on the minus strand). VCF-style: chr2-55672920-G-A. GRCh37 (hg19) VCF-style: chr2-55900055-G-A.
Other names: c.839C>T (NM_033109.3); short protein forms S280L.
Identifiers: ClinVar variation 1497055 (VCV001497055.7), dbSNP rs143022417, ClinGen allele CA47663367.